The following is an entry in ClinVar:

NM_015409.5(EP400):c.5712C>T (p.Thr1904=)

Gene: EP400 (E1A binding protein p400; plus strand). Cytogenetic location: 12q24.33.
Variant type: single nucleotide variant.
Coding change: c.5712C>T on transcript NM_015409.5 (MANE Select); coding-DNA position 5712, C replaced by T.
Protein change: p.Thr1904=; no amino-acid change (threonine 1904 retained).
Molecular consequence: synonymous variant.
Genome position (GRCh38, 1-based): chr12:132,030,116, C>T. VCF-style: chr12-132030116-C-T. GRCh37 (hg19) VCF-style: chr12-132514661-C-T.
Identifiers: ClinVar variation 3058746 (VCV003058746.2), dbSNP rs759661211, ClinGen allele CA6886133.

ClinVar aggregate classification (germline): Likely benign (0 of 4 stars; one submission).

Conditions:
EP400-related disorder. Also called: EP400-related condition.

Allele frequency attached by ClinVar (database versions not stated): ExAC 0.00001; gnomAD 0.00001; TOPMed 0.00003; gnomAD exomes 0.00011.
gnomAD v4.1: 159 of 1,614,056 alleles (0.0099%); highest among the groups gnomAD compares: Non-Finnish European, 0.013%; no homozygotes.

Submission:

PreventionGenetics, part of Exact Sciences
Classification: Likely benign for EP400-related condition. Last evaluated: 2019-03-25. Review status: no assertion criteria provided. Collection method: clinical testing. Allele origin: germline.
Comment: This variant is classified as likely benign based on ACMG/AMP sequence variant interpretation guidelines (Richards et al. 2015 PMID: 25741868, with internal and published modifications).